The following is an entry in ClinVar:

ClinVar aggregate classification (germline): Uncertain significance. Review status: criteria provided, multiple submitters, no conflicts (2 of 4 stars). 2 submissions from 2 submitters: Uncertain significance (2). Last evaluated 2025-07-07.

Conditions:
Adenylosuccinate lyase deficiency (ADSLD). Also called: ADSL DEFICIENCY. Identifiers: Orphanet 46, MedGen C0268126, MONDO:0007068, OMIM 103050.

Allele frequency attached by ClinVar (database versions not stated): gnomAD 0.00001; TOPMed 0.00001; ExAC 0.00002; gnomAD exomes 0.00003; 1000 Genomes Project 30x 0.00016; 1000 Genomes Project 0.00020.
gnomAD v4.1: 52 of 1,614,148 alleles (0.0032%); highest among the groups gnomAD compares: Non-Finnish European, 0.0038%; no homozygotes.

Submissions (2):

Labcorp Genetics (formerly Invitae), Labcorp
Classification: Uncertain significance for Adenylosuccinate lyase deficiency. Last evaluated: 2025-07-07. Review status: criteria provided, single submitter. Criteria: Invitae Variant Classification Sherloc (09022015). Collection method: clinical testing. Allele origin: germline.
Comment: This sequence change replaces arginine, which is basic and polar, with cysteine, which is neutral and slightly polar, at codon 270 of the ADSL protein (p.Arg270Cys). This variant is present in population databases (rs181252862, gnomAD 0.006%). This variant has not been reported in the literature in individuals affected with ADSL-related conditions. ClinVar contains an entry for this variant (Variation ID: 341657). Invitae Evidence Modeling of protein sequence and biophysical properties (such as structural, functional, and spatial information, amino acid conservation, physicochemical variation, residue mobility, and thermodynamic stability) indicates that this missense variant is expected to disrupt ADSL protein function with a positive predictive value of 80%. In summary, the available evidence is currently insufficient to determine the role of this variant in disease. Therefore, it has been classified as a Variant of Uncertain Significance.

Illumina Laboratory Services, Illumina
Classification: Uncertain significance for Adenylosuccinate lyase deficiency. Last evaluated: 2018-01-13. Review status: criteria provided, single submitter. Criteria: ICSL Variant Classification Criteria 13 December 2019. Collection method: clinical testing. Allele origin: germline.

NM_000026.4(ADSL):c.808C>T (p.Arg270Cys)

Gene: ADSL (adenylosuccinate lyase; plus strand). Cytogenetic location: 22q13.1.
Variant type: single nucleotide variant.
Coding change: c.808C>T on transcript NM_000026.4 (MANE Select); coding-DNA position 808, C replaced by T.
Protein change: p.Arg270Cys; replaces arginine 270 with cysteine.
Molecular consequence: missense variant. On other transcripts: non-coding transcript variant (1).
Genome position (GRCh38, 1-based): chr22:40,361,288, C>T. VCF-style: chr22-40361288-C-T. GRCh37 (hg19) VCF-style: chr22-40757292-C-T.
Other names: c.808C>T, p.Arg270Cys (NM_001123378.3, NM_001363840.3); c.616C>T, p.Arg206Cys (NM_001317923.2); short protein forms R270C, R206C.
Identifiers: ClinVar variation 341657 (VCV000341657.14), dbSNP rs181252862, ClinGen allele CA10247839.